The following is an entry in ClinVar:

NM_058216.3(RAD51C):c.3G>A (p.Met1Ile)

Gene: RAD51C (RAD51 paralog C; plus strand). Cytogenetic location: 17q22.
Variant type: single nucleotide variant.
Coding change: c.3G>A on transcript NM_058216.3 (MANE Select); coding-DNA position 3, G replaced by A.
Protein change: p.Met1Ile; changes the start codon (methionine 1).
Molecular consequence: missense variant, initiator codon variant. On other transcripts: non-coding transcript variant (2).
Genome position (GRCh38, 1-based): chr17:58,692,646, G>A. VCF-style: chr17-58692646-G-A. GRCh37 (hg19) VCF-style: chr17-56770007-G-A.
Other names: c.3G>A, p.Met1Ile (NM_002876.4); short protein forms M1I.
Identifiers: ClinVar variation 230796 (VCV000230796.31), dbSNP rs769053886, ClinGen allele CA10580718.

ClinVar aggregate classification (germline): Uncertain significance. Review status: criteria provided, multiple submitters, no conflicts (2 of 4 stars). 7 submissions from 7 submitters: Uncertain significance (7). Last evaluated 2025-12-08.

Conditions:
Hereditary cancer-predisposing syndrome. Also called: Tumor predisposition; Hereditary neoplastic syndrome; Hereditary Cancer Syndrome; Neoplastic Syndromes, Hereditary. Identifiers: Orphanet 140162, MedGen C0027672, MeSH D009386, MONDO:0015356.
Breast-ovarian cancer, familial, susceptibility to, 3. Also called: RAD51C-Related Breast/Ovarian Cancer. Identifiers: Orphanet 145, MedGen C3150659, MONDO:0013253, OMIM 613399.
Fanconi anemia complementation group O. Also called: RAD51C-Related Fanconi Anemia. Identifiers: Orphanet 84, MedGen C3150653, MONDO:0013248, OMIM 613390.

Allele frequency attached by ClinVar (database versions not stated): gnomAD 0.00001; TOPMed 0.00001.

Submissions (7):

Labcorp Genetics (formerly Invitae), Labcorp
Classification: Uncertain significance for Fanconi anemia complementation group O. Last evaluated: 2025-12-08. Review status: criteria provided, single submitter. Criteria: Invitae Variant Classification Sherloc (09022015). Collection method: clinical testing. Allele origin: germline.
Comment: This sequence change affects the initiator codon of the RAD51C mRNA. This change may impact translation initiation or efficiency. The next in-frame methionine is located at codon 10. This variant is present in population databases (rs769053886, gnomAD 0.01%). Disruption of the initiator codon has been observed in individual(s) with breast cancer (PMID: 31173646, 35264596, 35534704). ClinVar contains an entry for this variant (Variation ID: 230796). In summary, the available evidence is currently insufficient to determine the role of this variant in disease. Therefore, it has been classified as a Variant of Uncertain Significance.

Color Diagnostics, LLC DBA Color Health
Classification: Uncertain significance for Hereditary cancer-predisposing syndrome. Last evaluated: 2025-06-23. Review status: criteria provided, single submitter. Criteria: ACMG Guidelines, 2015. Collection method: clinical testing. Allele origin: germline.
Comment: This variant affects the translation start codon of the RAD51C gene and may result in an absent or non-functional protein product. However, an in-frame methionine 9 codons downstream may function as an alternative start codon and is located before the first known functional domain (RAD51B/RAD51D/XRCC3 interacting domain at amino acids 79-136) of the RAD51C protein. Functional studies have shown that the RAD51C protein produced from this downstream methionine can function similarly to the wild type protein (PMID: 12966089, 38330859). This variant has been reported in individuals affected with breast cancer (PMID: 31173646, 33471991, 35534704). This variant has been identified in 1/31396 chromosomes in the general population by the Genome Aggregation Database (gnomAD). The available evidence is insufficient to determine the role of this variant in disease conclusively. Therefore, this variant is classified as a Variant of Uncertain Significance.

Dasa
Classification: Uncertain significance. Last evaluated: 2025-06-16. Review status: criteria provided, single submitter. Criteria: DASA Assertion Criteria. Collection method: clinical testing. Allele origin: germline.
Comment: NM_058216.3(RAD51C):c.3G>A (p.Met1?) is a start-loss variant predicted to alter the translation initiation codon and impair normal protein translation. This variant has been reported in individuals with RAD51C-related disorders (PMID: 12966089). Also, this variant is rare in population databases. The currently available literature and clinical evidence are not sufficient to establish a definitive association between this variant and the reported condition. Therefore, this variant is classified as a variant of uncertain significance.

Ambry Genetics
Classification: Uncertain significance for Hereditary cancer-predisposing syndrome. Last evaluated: 2025-05-14. Review status: criteria provided, single submitter. Criteria: Ambry Variant Classification Scheme 2023. Collection method: clinical testing. Allele origin: germline.
Comment: The p.M1? variant (also known as c.3G>A), located in coding exon 1 of the RAD51C gene, results from a G to A substitution at nucleotide position 3. This alters the methionine residue at the initiation codon. This variant was reported in 2/60,466 breast cancer cases and in 0/53,461 controls (Dorling et al. N Engl J Med 2021 02;384:428-439). Variations that modify the initiation codon (ATG) are expected to result in either loss of translation initiation, N-terminal truncation, or cause a shift in the mRNA reading frame; however, there is an in-frame methionine 9 amino acids from the initiation site, which may result in N-terminal truncation of unknown functional significance. Since supporting evidence is limited at this time, the clinical significance of this alteration remains unclear.

Fulgent Genetics
Classification: Uncertain significance for Fanconi anemia complementation group O; Breast-ovarian cancer, familial, susceptibility to, 3. Last evaluated: 2024-03-26. Review status: criteria provided, single submitter. Criteria: ACMG Guidelines, 2015. Collection method: clinical testing. Allele origin: germline.

GeneDx
Classification: Uncertain significance. Last evaluated: 2019-10-11. Review status: criteria provided, single submitter. Criteria: GeneDx Variant Classification Process June 2021. Collection method: clinical testing. Allele origin: germline. Affected: yes.
Comment: Initiation codon variant in a gene for which a downstreamin-frame ATG could serve as an alternate initiator codon (French 2003); Not observed at a significant frequency in large population cohorts (Lek et al., 2016); Observed in individuals with breast cancer (Cybulski 2019); This variant is associated with the following publications: (PMID: 12966089, 31173646)

Mendelics
Classification: Uncertain significance for Fanconi anemia complementation group O. Last evaluated: 2019-05-28. Review status: criteria provided, single submitter. Criteria: Mendelics Assertion Criteria 2017. Collection method: clinical testing. Allele origin: unknown.

Literature cited by the submitters: PubMed 31173646 (cited by 3 submitters); PubMed 35264596 (cited by Labcorp Genetics (formerly Invitae), Labcorp); PubMed 35534704 (cited by Labcorp Genetics (formerly Invitae), Labcorp and Color Diagnostics, LLC DBA Color Health); PubMed 12966089 (cited by Color Diagnostics, LLC DBA Color Health and Dasa); PubMed 33471991 (cited by Color Diagnostics, LLC DBA Color Health and Ambry Genetics); PubMed 38330859 (cited by Color Diagnostics, LLC DBA Color Health).